The following is an entry in ClinVar:

ClinVar aggregate classification (germline): Likely benign (1 of 4 stars; one submission).

Allele frequency attached by ClinVar (database versions not stated): 1000 Genomes Project 0.00499; gnomAD 0.00499 and 0.00538; TOPMed 0.00553; 1000 Genomes Project 30x 0.00578.
gnomAD v4.1: 754 of 152,268 alleles (0.5%); highest among the groups gnomAD compares: African/African-American, 1.7%; 6 homozygotes.

Submission:

GeneDx
Classification: Likely benign. Last evaluated: 2018-06-14. Review status: criteria provided, single submitter. Criteria: GeneDx Variant Classification (06012015). Collection method: clinical testing. Allele origin: germline. Affected: yes.
Comment: This variant is considered likely benign or benign based on one or more of the following criteria: it is a conservative change, it occurs at a poorly conserved position in the protein, it is predicted to be benign by multiple in silico algorithms, and/or has population frequency not consistent with disease.

NM_006393.3(NEBL):c.258+183A>C

Gene: NEBL (nebulette; minus strand). Cytogenetic location: 10p12.31.
Variant type: single nucleotide variant.
Coding change: c.258+183A>C on transcript NM_006393.3 (MANE Select); 183 bases into the intron after coding-DNA position 258, A replaced by C.
Molecular consequence: intron variant.
Genome position (GRCh38, 1-based): chr10:20,889,662, T>G on the plus strand (A>C on the coding strand, the complement: NEBL is on the minus strand). VCF-style: chr10-20889662-T-G. GRCh37 (hg19) VCF-style: chr10-21178591-T-G.
Other names: c.249+72010A>C (NM_001377326.1, NM_001377327.1, NM_001377328.1); c.357+72010A>C (NM_213569.2, NM_001173484.2, NM_001377322.1); c.300+72010A>C (NM_001377324.1); c.291+72010A>C (NM_001377325.1); c.309+72010A>C (NM_001377323.1).
Identifiers: ClinVar variation 675775 (VCV000675775.1), dbSNP rs144066723, ClinGen allele CA204172750.